The following is an entry in ClinVar:

ClinVar aggregate classification (germline): Benign/Likely benign. Review status: criteria provided, multiple submitters, no conflicts (2 of 4 stars). 6 submissions from 6 submitters: Benign (1); Likely benign (2). 3 of the submissions do not count toward it. Last evaluated 2026-01-05.

Conditions:
WDR1-related disorder. Also called: WDR1-related condition.

Allele frequency attached by ClinVar (database versions not stated): ExAC 0.00066; TOPMed 0.00067; gnomAD exomes 0.00062 and 0.00110; ESP Exome Variant Server 0.00065; gnomAD 0.00082 and 0.00087.

Submissions (6):

Labcorp Genetics (formerly Invitae), Labcorp
Classification: Benign. Last evaluated: 2026-01-05. Review status: criteria provided, single submitter. Criteria: Invitae Variant Classification Sherloc (09022015). Collection method: clinical testing. Allele origin: germline.

Blueprint Genetics
Classification: Likely benign. Last evaluated: 2024-10-31. Review status: criteria provided, single submitter. Criteria: ACMG Guidelines, 2015. Collection method: clinical testing. Allele origin: germline.

CeGaT Center for Human Genetics Tuebingen
Classification: Likely benign. Last evaluated: 2023-03-01. Review status: criteria provided, single submitter. Criteria: CeGaT Center For Human Genetics Tuebingen Variant Classification Criteria Version 2. Collection method: clinical testing. Allele origin: germline. Affected: yes. Observed: 2 variant alleles.
Comment: WDR1: BP4

PreventionGenetics, part of Exact Sciences
Classification: Likely benign for WDR1-related condition. Last evaluated: 2019-05-06. Review status: no assertion criteria provided. Collection method: clinical testing. Allele origin: germline. Not counted in ClinVar's aggregate classification.
Comment: This variant is classified as likely benign based on ACMG/AMP sequence variant interpretation guidelines (Richards et al. 2015 PMID: 25741868, with internal and published modifications).

Clinical Genetics DNA and cytogenetics Diagnostics Lab, Erasmus MC, Erasmus Medical Center
Classification: Likely benign. Review status: no assertion criteria provided. Collection method: clinical testing. Allele origin: germline. Affected: yes. Study: VKGL Data-share Consensus. Not counted in ClinVar's aggregate classification.

Genome Diagnostics Laboratory, University Medical Center Utrecht
Classification: Likely benign. Review status: no assertion criteria provided. Collection method: clinical testing. Allele origin: germline. Affected: yes. Study: VKGL Data-share Consensus. Not counted in ClinVar's aggregate classification.

NM_017491.5(WDR1):c.507C>T (p.Asn169=)

Gene: WDR1 (WD repeat domain 1; minus strand). Cytogenetic location: 4p16.1.
Variant type: single nucleotide variant.
Coding change: c.507C>T on transcript NM_017491.5 (MANE Select); coding-DNA position 507, C replaced by T.
Protein change: p.Asn169=; no amino-acid change (asparagine 169 retained).
Molecular consequence: synonymous variant. On other transcripts: intron variant (1).
Genome position (GRCh38, 1-based): chr4:10,097,762, G>A on the plus strand (C>T on the coding strand, the complement: WDR1 is on the minus strand). VCF-style: chr4-10097762-G-A. GRCh37 (hg19) VCF-style: chr4-10099386-G-A.
Other names: c.139-9021C>T (NM_005112.5); c.507C>T (NM_017491.3).
Identifiers: ClinVar variation 1165989 (VCV001165989.39), dbSNP rs370876028, ClinGen allele CA2858039.